The following is an entry in ClinVar:

NM_001105659.2(LRRIQ3):c.69A>C (p.Ile23=)

Gene: LRRIQ3 (leucine rich repeats and IQ motif containing 3; minus strand). Cytogenetic location: 1p31.1.
Variant type: single nucleotide variant.
Coding change: c.69A>C on transcript NM_001105659.2 (MANE Select); coding-DNA position 69, A replaced by C.
Protein change: p.Ile23=; no amino-acid change (isoleucine 23 retained).
Molecular consequence: synonymous variant.
Genome position (GRCh38, 1-based): chr1:74,183,616, T>G on the plus strand (A>C on the coding strand, the complement: LRRIQ3 is on the minus strand). VCF-style: chr1-74183616-T-G. GRCh37 (hg19) VCF-style: chr1-74649300-T-G.
Other names: c.69A>C, p.Ile23= (NM_001322315.2).
Identifiers: ClinVar variation 3052134 (VCV003052134.2), dbSNP rs150539790, ClinGen allele CA908190.

ClinVar aggregate classification (germline): Likely benign (0 of 4 stars; one submission).

Conditions:
LRRIQ3-related disorder. Also called: LRRIQ3-related condition.

Allele frequency attached by ClinVar (database versions not stated): ESP Exome Variant Server 0.00008; ExAC 0.00014.
gnomAD v4.1: 233 of 1,612,088 alleles (0.014%); highest among the groups gnomAD compares: Middle Eastern, 0.33%; 2 homozygotes.

Submission:

PreventionGenetics, part of Exact Sciences
Classification: Likely benign for LRRIQ3-related condition. Last evaluated: 2019-02-26. Review status: no assertion criteria provided. Collection method: clinical testing. Allele origin: germline.
Comment: This variant is classified as likely benign based on ACMG/AMP sequence variant interpretation guidelines (Richards et al. 2015 PMID: 25741868, with internal and published modifications).